The following is an entry in ClinVar:

ClinVar aggregate classification (germline): Benign/Likely benign. Review status: criteria provided, multiple submitters, no conflicts (2 of 4 stars). 8 submissions from 8 submitters: Benign (2); Likely benign (5). 1 of the submissions does not count toward it. Last evaluated 2026-01-29.

Conditions:
Cardiovascular phenotype. Identifiers: MedGen CN230736.
Dilated cardiomyopathy 1O (CMD1O). Also called: CARDIOMYOPATHY, DILATED, WITH VENTRICULAR TACHYCARDIA. Identifiers: Orphanet 154, MedGen C1837839, MONDO:0012062, OMIM 608569.
ABCC9-related disorder. Also called: ABCC9-related condition; ABCC9-related disorders.

Allele frequency attached by ClinVar (database versions not stated): gnomAD exomes 0.00003 and 0.00008; ExAC 0.00014; ESP Exome Variant Server 0.00038; gnomAD 0.00039 and 0.00040; TOPMed 0.00046; 1000 Genomes Project 0.00140; 1000 Genomes Project 30x 0.00156.
gnomAD v4.1: 113 of 1,613,910 alleles (0.007%); highest among the groups gnomAD compares: African/African-American, 0.13%; 1 homozygote.

Submissions (8):

Labcorp Genetics (formerly Invitae), Labcorp
Classification: Benign for Dilated cardiomyopathy 1O. Last evaluated: 2026-01-29. Review status: criteria provided, single submitter. Criteria: Invitae Variant Classification Sherloc (09022015). Collection method: clinical testing. Allele origin: germline.

ARUP Laboratories, Molecular Genetics and Genomics, ARUP Laboratories
Classification: Likely benign. Last evaluated: 2024-10-25. Review status: criteria provided, single submitter. Criteria: ARUP Molecular Germline Variant Investigation Process 2024. Collection method: clinical testing. Allele origin: germline.

Blueprint Genetics
Classification: Likely benign. Last evaluated: 2023-07-28. Review status: criteria provided, single submitter. Criteria: ACMG Guidelines, 2015. Collection method: clinical testing. Allele origin: germline.

Women's Health and Genetics/Laboratory Corporation of America, LabCorp
Classification: Benign. Last evaluated: 2022-08-15. Review status: criteria provided, single submitter. Criteria: LabCorp Variant Classification Summary - May 2015. Collection method: clinical testing. Allele origin: germline.

GeneDx
Classification: Likely benign. Last evaluated: 2020-11-24. Review status: criteria provided, single submitter. Criteria: GeneDx Variant Classification Process June 2021. Collection method: clinical testing. Allele origin: germline. Affected: yes.

Ambry Genetics
Classification: Likely benign for Cardiovascular phenotype. Last evaluated: 2015-12-02. Review status: criteria provided, single submitter. Criteria: Ambry Variant Classification Scheme 2023. Collection method: clinical testing. Allele origin: germline.

Laboratory for Molecular Medicine, Mass General Brigham Personalized Medicine
Classification: Likely benign. Last evaluated: 2012-03-19. Review status: criteria provided, single submitter. Criteria: LMM Criteria. Collection method: clinical testing. Allele origin: germline. Observed: 1 variant allele.
Comment: p.Ala1010Ala in exon 24 of ABCC9: This variant is not expected to have clinical significance because it does not alter an amino acid residue and is not located within the splice consensus sequence. It has been identified in 0.2% (17/10396) of African chromosomes by the Exome Aggregation Consortium (ExAC; dbSNP rs76102634).

PreventionGenetics, part of Exact Sciences
Classification: Likely benign for ABCC9-related condition. Last evaluated: 2020-12-08. Review status: no assertion criteria provided. Collection method: clinical testing. Allele origin: germline. Not counted in ClinVar's aggregate classification.
Comment: This variant is classified as likely benign based on ACMG/AMP sequence variant interpretation guidelines (Richards et al. 2015 PMID: 25741868, with internal and published modifications).

NM_020297.4(ABCC9):c.3030T>C (p.Ala1010=)

Gene: ABCC9 (ATP binding cassette subfamily C member 9; minus strand). Cytogenetic location: 12p12.1.
Variant type: single nucleotide variant.
Coding change: c.3030T>C on transcript NM_020297.4 (MANE Select); coding-DNA position 3030, T replaced by C.
Protein change: p.Ala1010=; no amino-acid change (alanine 1010 retained).
Molecular consequence: synonymous variant.
Genome position (GRCh38, 1-based): chr12:21,845,669, A>G on the plus strand (T>C on the coding strand, the complement: ABCC9 is on the minus strand). VCF-style: chr12-21845669-A-G. GRCh37 (hg19) VCF-style: chr12-21998603-A-G.
Other names: c.3030T>C, p.Ala1010= (NM_001377273.1, NM_005691.4); c.2163T>C, p.Ala721= (NM_001377274.1); c.3030T>C (NM_020297.3).
Identifiers: ClinVar variation 227159 (VCV000227159.24), dbSNP rs76102634, ClinGen allele CA6481227.